The following is an entry in ClinVar:

NM_000321.3(RB1):c.586A>G (p.Ile196Val)

Gene: RB1 (RB transcriptional corepressor 1; plus strand). Cytogenetic location: 13q14.2.
Variant type: single nucleotide variant.
Coding change: c.586A>G on transcript NM_000321.3 (MANE Select); coding-DNA position 586, A replaced by G.
Protein change: p.Ile196Val; replaces isoleucine 196 with valine.
Molecular consequence: missense variant.
Genome position (GRCh38, 1-based): chr13:48,349,002, A>G. VCF-style: chr13-48349002-A-G. GRCh37 (hg19) VCF-style: chr13-48923138-A-G.
Other names: c.586A>G (NM_000321.2); short protein forms I196V.
Identifiers: ClinVar variation 1001653 (VCV001001653.9), dbSNP rs1952523113, ClinGen allele CA388156973.
Genomic context (GRCh38, chr13:48,349,002, plus strand): 5'-TATTTGTTTAATAGGATATCTACTGAAATAAATTCTGCATTGGTGCTAAAAGTTTCTTGG[A>G]TCACATTTTTATTAGCTAAAGGTAAGTTCATTATATTTATTAAATGCTAATATTTCAAAT-3'
Protein context (NP_000312.2, residues 186-206): NSALVLKVSW[Ile196Val]TFLLAKGEVL

ClinVar aggregate classification (germline): Uncertain significance. Review status: criteria provided, multiple submitters, no conflicts (2 of 4 stars). 2 submissions from 2 submitters: Uncertain significance (2). Last evaluated 2026-07-19.

Conditions:
Retinoblastoma (RB1). Also called: RETINOBLASTOMA, SOMATIC. Identifiers: Orphanet 790, MedGen C0035335, MeSH D012175, MONDO:0008380, OMIM 180200, HP:0009919. Disease mechanism: loss of function. Inheritance: Both sporadic and heritable forms are tested..
Hereditary cancer-predisposing syndrome. Also called: Tumor predisposition; Hereditary Cancer Syndrome; Hereditary neoplastic syndrome; Neoplastic Syndromes, Hereditary. Identifiers: Orphanet 140162, MedGen C0027672, MeSH D009386, MONDO:0015356.

Submissions (2):

Ambry Genetics
Classification: Uncertain significance for Hereditary cancer-predisposing syndrome. Last evaluated: 2026-07-19. Review status: criteria provided, single submitter. Criteria: Ambry Variant Classification Scheme 2023. Collection method: clinical testing. Allele origin: germline.
Comment: The p.I196V variant (also known as c.586A>G), located in coding exon 6 of the RB1 gene, results from an A to G substitution at nucleotide position 586. The isoleucine at codon 196 is replaced by valine, an amino acid with highly similar properties. This amino acid position is conserved. In addition, this alteration is predicted to be tolerated by in silico analysis. Based on the available evidence, the clinical significance of this variant remains unclear.

Labcorp Genetics (formerly Invitae), Labcorp
Classification: Uncertain significance for Retinoblastoma. Last evaluated: 2024-10-06. Review status: criteria provided, single submitter. Criteria: Invitae Variant Classification Sherloc (09022015). Collection method: clinical testing. Allele origin: germline.
Comment: This sequence change replaces isoleucine, which is neutral and non-polar, with valine, which is neutral and non-polar, at codon 196 of the RB1 protein (p.Ile196Val). This variant is not present in population databases (gnomAD no frequency). This variant has not been reported in the literature in individuals affected with RB1-related conditions. ClinVar contains an entry for this variant (Variation ID: 1001653). Invitae Evidence Modeling of protein sequence and biophysical properties (such as structural, functional, and spatial information, amino acid conservation, physicochemical variation, residue mobility, and thermodynamic stability) indicates that this missense variant is not expected to disrupt RB1 protein function with a negative predictive value of 80%. In summary, the available evidence is currently insufficient to determine the role of this variant in disease. Therefore, it has been classified as a Variant of Uncertain Significance.